The following is an entry in ClinVar:

NM_001374736.1(DST):c.11548G>A (p.Ala3850Thr)

Gene: DST (dystonin; minus strand). Cytogenetic location: 6p12.1.
Variant type: single nucleotide variant.
Coding change: c.11548G>A on transcript NM_001374736.1 (MANE Select); coding-DNA position 11548, G replaced by A.
Protein change: p.Ala3850Thr; replaces alanine 3850 with threonine.
Molecular consequence: missense variant.
Genome position (GRCh38, 1-based): chr6:56,600,215, C>T on the plus strand (G>A on the coding strand, the complement: DST is on the minus strand). VCF-style: chr6-56600215-C-T. GRCh37 (hg19) VCF-style: chr6-56465013-C-T.
Other names: c.5191G>A, p.Ala1731Thr (NM_001144769.5); c.4777G>A, p.Ala1593Thr (NM_001144770.2); c.11548G>A, p.Ala3850Thr (NM_001374722.1); c.10915G>A, p.Ala3639Thr (NM_001374729.1); c.4657G>A, p.Ala1553Thr (NM_001374730.1, NM_001386100.1, NM_183380.4); c.11575G>A, p.Ala3859Thr (NM_001374734.1); c.3679G>A, p.Ala1227Thr (NM_015548.5); short protein forms A3850T, A1593T, A1731T, A1227T, A3639T, A1553T, A3859T.
Identifiers: ClinVar variation 1419873 (VCV001419873.3), dbSNP rs376533777, ClinGen allele CA139194865.

ClinVar aggregate classification (germline): Uncertain significance (1 of 4 stars; one submission).

Conditions:
Epidermolysis bullosa simplex 3, localized or generalized intermediate, with BP230 deficiency (EBS3). Also called: Epidermolysis bullosa simplex due to BP230 deficiency; Epidermolysis bullosa simplex, autosomal recessive 2. Identifiers: Orphanet 412181, MedGen C3809470, MONDO:0014180, OMIM 615425.
Hereditary sensory and autonomic neuropathy type 6. Also called: Neuropathy, hereditary sensory and autonomic, type VI; HSAN VI. Identifiers: Orphanet 314381, MedGen C3539003, MONDO:0013839, OMIM 614653.

Allele frequency attached by ClinVar (database versions not stated): gnomAD exomes below 0.00001; ESP Exome Variant Server 0.00008.
gnomAD v4.1: 4 of 1,611,464 alleles (0.00025%); highest among the groups gnomAD compares: Non-Finnish European, 0.00034%; no homozygotes.

Submission:

Labcorp Genetics (formerly Invitae), Labcorp
Classification: Uncertain significance for Epidermolysis bullosa simplex 3, localized or generalized intermediate, with BP230 deficiency; Hereditary sensory and autonomic neuropathy type 6. Last evaluated: 2022-08-15. Review status: criteria provided, single submitter. Criteria: Invitae Variant Classification Sherloc (09022015). Collection method: clinical testing. Allele origin: germline.
Comment: The DST gene has multiple clinically relevant transcripts. This variant occurs in alternate transcript NM_015548.4, and corresponds to NM_001723.5:c.*15302G>A in the primary transcript. This sequence change replaces alanine, which is neutral and non-polar, with threonine, which is neutral and polar, at codon 1227 of the DST protein (p.Ala1227Thr). This variant is not present in population databases (gnomAD no frequency). This variant has not been reported in the literature in individuals affected with DST-related conditions. Experimental studies and prediction algorithms are not available or were not evaluated, and the functional significance of this variant is currently unknown. In summary, the available evidence is currently insufficient to determine the role of this variant in disease. Therefore, it has been classified as a Variant of Uncertain Significance.